The following is an entry in ClinVar:

NM_001371279.1(REEP1):c.-50_-26dup

Gene: REEP1 (receptor accessory protein 1; minus strand). Cytogenetic location: 2p11.2.
Variant type: Duplication.
Coding change: c.-50_-26dup on transcript NM_001371279.1 (MANE Select); 50 bases upstream of the start codon through 26 bases upstream of the start codon, 25 bases duplicated (CAGCCTAGCCGAGCCGCGCCGCCCG).
Molecular consequence: 5 prime UTR variant. On other transcripts: intron variant (1).
Genome position (GRCh38, 1-based): chr2:86,337,536-86,337,560, CGGGCGGCGCGGCTCGGCTAGGCTG duplicated on the plus strand (CAGCCTAGCCGAGCCGCGCCGCCCG on the coding strand, the reverse complement: REEP1 is on the minus strand); duplicating any 25 consecutive bases within chr2:86,337,536-86,337,572 gives the same sequence; the c. name uses the placement nearest the transcript's 3' end. VCF-style (leftmost placement, unchanged base first): chr2-86337535-C-CCGGGCGGCGCGGCTCGGCTAGGCTG. GRCh37 (hg19) VCF-style: chr2-86564658-C-CCGGGCGGCGCGGCTCGGCTAGGCTG.
Other names: c.-58_-34dup (NM_001164731.2); c.-50_-26dup (NM_001164732.2, NM_001371280.1, NM_022912.3); c.53+464_53+488dup (NM_001164730.2); c.-50_-26dupCAGCCTAGCCGAGCCGCGCCGCCCG (NM_022912.2).
Identifiers: ClinVar variation 452329 (VCV000452329.2), dbSNP rs1553472241, ClinGen allele CA658657047.

ClinVar aggregate classification (germline): Uncertain significance (1 of 4 stars; one submission).

Submission:

GeneDx
Classification: Uncertain significance. Last evaluated: 2017-09-28. Review status: criteria provided, single submitter. Criteria: GeneDx Variant Classification (06012015). Collection method: clinical testing. Allele origin: germline. Affected: yes.
Comment: The c.-50_-26dup25 variant has not been published as a pathogenic variant, nor has it been reported as a benign variant to our knowledge. The c.-50_-26dup25 variant is not observed in large population cohorts (Lek et al., 2016). Several in-silico splice prediction models predict that c.-50_-26dup25 does not impact gene splicing. However, in the absence of RNA/functional studies, the actual effect of this sequence change in this individual is unknown. Therefore, based on the currently available information, it is unclear whether this variant is a pathogenic variant or a rare benign variant.